The following is an entry in ClinVar:

ClinVar aggregate classification (germline): Likely benign. Review status: criteria provided, multiple submitters, no conflicts (2 of 4 stars). 3 submissions from 3 submitters: Likely benign (2). 1 of the submissions does not count toward it. Last evaluated 2025-06-17.

Conditions:
X-linked intellectual disability Cabezas type (MRXSC). Also called: CABEZAS SYNDROME; MENTAL RETARDATION, X-LINKED, SYNDROMIC 15; Intellectual developmental disorder, X-linked syndromic, Cabezas type. Identifiers: Orphanet 85289, Orphanet 85293, MedGen C1845861, MONDO:0010306, OMIM 300354.
CUL4B-related disorder. Also called: CUL4B-related condition.

Allele frequency attached by ClinVar (database versions not stated): TOPMed below 0.00001.

Submissions (3):

Labcorp Genetics (formerly Invitae), Labcorp
Classification: Likely benign for X-linked intellectual disability Cabezas type. Last evaluated: 2025-06-17. Review status: criteria provided, single submitter. Criteria: Invitae Variant Classification Sherloc (09022015). Collection method: clinical testing. Allele origin: germline.

Blueprint Genetics
Classification: Likely benign. Last evaluated: 2023-02-10. Review status: criteria provided, single submitter. Criteria: ACMG Guidelines, 2015. Collection method: clinical testing. Allele origin: germline.

PreventionGenetics, part of Exact Sciences
Classification: Likely benign for CUL4B-related condition. Last evaluated: 2023-09-05. Review status: no assertion criteria provided. Collection method: clinical testing. Allele origin: germline. Not counted in ClinVar's aggregate classification.
Comment: This variant is classified as likely benign based on ACMG/AMP sequence variant interpretation guidelines (Richards et al. 2015 PMID: 25741868, with internal and published modifications).

NM_001079872.2(CUL4B):c.1212A>G (p.Glu404=)

Gene: CUL4B (cullin 4B; minus strand). Cytogenetic location: Xq24.
Variant type: single nucleotide variant.
Coding change: c.1212A>G on transcript NM_001079872.2 (MANE Select); coding-DNA position 1212, A replaced by G.
Protein change: p.Glu404=; no amino-acid change (glutamic acid 404 retained).
Molecular consequence: synonymous variant.
Genome position (GRCh38, 1-based): chrX:120,543,771, T>C on the plus strand (A>G on the coding strand, the complement: CUL4B is on the minus strand). VCF-style: chrX-120543771-T-C. GRCh37 (hg19) VCF-style: chrX-119677626-T-C.
Other names: c.678A>G, p.Glu226= (NM_001369145.1); c.1266A>G, p.Glu422= (NM_003588.4); c.1227A>G, p.Glu409= (NM_001330624.2).
Identifiers: ClinVar variation 3049511 (VCV003049511.4), dbSNP rs1602578942, ClinGen allele CA518226143.